The following is an entry in ClinVar:

ClinVar aggregate classification (germline): Uncertain significance. Review status: criteria provided, multiple submitters, no conflicts (2 of 4 stars). 2 submissions from 2 submitters: Uncertain significance (2). Last evaluated 2025-08-09.

Conditions:
Inborn genetic diseases. Identifiers: MedGen C0950123, MeSH D030342.

Allele frequency attached by ClinVar (database versions not stated): gnomAD exomes below 0.00001; TOPMed below 0.00001; gnomAD 0.00001.
gnomAD v4.1: 3 of 1,585,910 alleles (0.00019%); highest among the groups gnomAD compares: South Asian, 0.0011%; no homozygotes.

Submissions (2):

Ambry Genetics
Classification: Uncertain significance for Inborn genetic diseases. Last evaluated: 2025-08-09. Review status: criteria provided, single submitter. Criteria: Ambry Variant Classification Scheme 2023. Collection method: clinical testing. Allele origin: germline.

Labcorp Genetics (formerly Invitae), Labcorp
Classification: Uncertain significance. Last evaluated: 2022-02-08. Review status: criteria provided, single submitter. Criteria: Invitae Variant Classification Sherloc (09022015). Collection method: clinical testing. Allele origin: germline.
Comment: In summary, the available evidence is currently insufficient to determine the role of this variant in disease. Therefore, it has been classified as a Variant of Uncertain Significance. Algorithms developed to predict the effect of missense changes on protein structure and function (SIFT, PolyPhen-2, Align-GVGD) all suggest that this variant is likely to be tolerated. ClinVar contains an entry for this variant (Variation ID: 1006048). This variant has not been reported in the literature in individuals affected with PROM1-related conditions. This variant is not present in population databases (gnomAD no frequency). This sequence change replaces isoleucine, which is neutral and non-polar, with valine, which is neutral and non-polar, at codon 499 of the PROM1 protein (p.Ile499Val).

NM_006017.3(PROM1):c.1495A>G (p.Ile499Val)

Gene: PROM1 (prominin 1; minus strand). Cytogenetic location: 4p15.32.
Variant type: single nucleotide variant.
Coding change: c.1495A>G on transcript NM_006017.3 (MANE Select); coding-DNA position 1495, A replaced by G.
Protein change: p.Ile499Val; replaces isoleucine 499 with valine.
Molecular consequence: missense variant.
Genome position (GRCh38, 1-based): chr4:16,000,579, T>C on the plus strand (A>G on the coding strand, the complement: PROM1 is on the minus strand). VCF-style: chr4-16000579-T-C. GRCh37 (hg19) VCF-style: chr4-16002202-T-C.
Other names: c.1468A>G, p.Ile490Val (NM_001145847.2, NM_001145848.2, NM_001145851.2 and 4 more transcripts); c.1495A>G, p.Ile499Val (NM_001145849.2, NM_001145850.2); c.1495A>G (NM_006017.2); short protein forms I490V, I499V.
Identifiers: ClinVar variation 1006048 (VCV001006048.9), dbSNP rs1055784097, ClinGen allele CA92589281.